The following is an entry in ClinVar:

NM_004360.5(CDH1):c.1321-65A>T

Gene: CDH1 (cadherin 1; plus strand). Cytogenetic location: 16q22.1.
Variant type: single nucleotide variant.
Coding change: c.1321-65A>T on transcript NM_004360.5 (MANE Select); 65 bases into the intron before coding-DNA position 1321, A replaced by T.
Molecular consequence: intron variant.
Genome position (GRCh38, 1-based): chr16:68,815,450, A>T. VCF-style: chr16-68815450-A-T. GRCh37 (hg19) VCF-style: chr16-68849353-A-T.
Other names: c.-228-65A>T (NM_001317185.2); c.-499-65A>T (NM_001317186.2); c.1138-65A>T (NM_001317184.2).
Identifiers: ClinVar variation 2502951 (VCV002502951.1), dbSNP rs1023244157, ClinGen allele CA283308125.

ClinVar aggregate classification (germline): Uncertain significance (1 of 4 stars; one submission).

Conditions:
Hereditary diffuse gastric adenocarcinoma (HDGC). Also called: DIFFUSE GASTRIC AND LOBULAR BREAST CANCER SYNDROME. Identifiers: Orphanet 26106, MedGen C1708349, MONDO:0007648, OMIM 137215.

Allele frequency attached by ClinVar (database versions not stated): gnomAD exomes below 0.00001; TOPMed below 0.00001.
gnomAD v4.1: 3 of 1,603,452 alleles (0.00019%); highest among the groups gnomAD compares: Non-Finnish European, 0.00026%; no homozygotes.

Submission:

European Reference Network on Genetic Tumour Risk Syndromes (ERN-GENTURIS), i3s - Instituto de Investigação e Inovação em Saúde, University of Porto
Classification: Uncertain significance for Hereditary diffuse gastric adenocarcinoma. Last evaluated: 2022-08-01. Review status: criteria provided, single submitter. Criteria: Lee et al. (Hum Mutat. 2018). Collection method: clinical testing. Allele origin: germline. Inheritance: Autosomal dominant inheritance. Affected: no. Study: ERN GENTURIS.
Comment: PM2; BS2_Supporting (PMID: 30311375)

Literature cited by the submitters: PubMed 36436516.